The following is an entry in ClinVar:

ClinVar aggregate classification (germline): Uncertain significance (1 of 4 stars; one submission).

Allele frequency attached by ClinVar (database versions not stated): gnomAD 0.00001; TOPMed 0.00002; gnomAD exomes 0.00003.

Submission:

Labcorp Genetics (formerly Invitae), Labcorp
Classification: Uncertain significance. Last evaluated: 2022-02-21. Review status: criteria provided, single submitter. Criteria: Invitae Variant Classification Sherloc (09022015). Collection method: clinical testing. Allele origin: germline.
Comment: This sequence change replaces valine, which is neutral and non-polar, with isoleucine, which is neutral and non-polar, at codon 448 of the PDP1 protein (p.Val448Ile). This variant is present in population databases (rs749168775, gnomAD 0.007%). This variant has not been reported in the literature in individuals affected with PDP1-related conditions. Algorithms developed to predict the effect of missense changes on protein structure and function are either unavailable or do not agree on the potential impact of this missense change (SIFT: "Tolerated"; PolyPhen-2: "Possibly Damaging"; Align-GVGD: "Class C0"). In summary, the available evidence is currently insufficient to determine the role of this variant in disease. Therefore, it has been classified as a Variant of Uncertain Significance.

NM_018444.4(PDP1):c.1342G>A (p.Val448Ile)

Gene: PDP1 (pyruvate dehydrogenase phosphatase catalytic subunit 1; plus strand). Cytogenetic location: 8q22.1.
Variant type: single nucleotide variant.
Coding change: c.1342G>A on transcript NM_018444.4 (MANE Select); coding-DNA position 1342, G replaced by A.
Protein change: p.Val448Ile; replaces valine 448 with isoleucine.
Molecular consequence: missense variant.
Genome position (GRCh38, 1-based): chr8:93,923,401, G>A. VCF-style: chr8-93923401-G-A. GRCh37 (hg19) VCF-style: chr8-94935629-G-A.
Other names: c.1417G>A, p.Val473Ile (NM_001161779.2, NM_001161780.2); c.1342G>A, p.Val448Ile (NM_001161781.2); short protein forms V448I, V473I.
Identifiers: ClinVar variation 2416190 (VCV002416190.5), dbSNP rs749168775, ClinGen allele CA181376179.